The following is an entry in ClinVar:

NM_012431.3(SEMA3E):c.1506G>T (p.Gln502His)

Gene: SEMA3E (semaphorin 3E; minus strand). Cytogenetic location: 7q21.11.
Variant type: single nucleotide variant.
Coding change: c.1506G>T on transcript NM_012431.3 (MANE Select); coding-DNA position 1506, G replaced by T.
Protein change: p.Gln502His; replaces glutamine 502 with histidine.
Molecular consequence: missense variant.
Genome position (GRCh38, 1-based): chr7:83,392,716, C>A on the plus strand (G>T on the coding strand, the complement: SEMA3E is on the minus strand). VCF-style: chr7-83392716-C-A. GRCh37 (hg19) VCF-style: chr7-83022032-C-A.
Other names: c.1326G>T, p.Gln442His (NM_001178129.2); short protein forms Q502H, Q442H.
Identifiers: ClinVar variation 459535 (VCV000459535.8), dbSNP rs1170846873, ClinGen allele CA367923709.

ClinVar aggregate classification (germline): Uncertain significance (1 of 4 stars; one submission).

Conditions:
CHARGE syndrome (CHARGE). Also called: Hittner Hirsch Kreh syndrome; CHARGE ASSOCIATION--COLOBOMA, HEART ANOMALY, CHOANAL ATRESIA, RETARDATION, GENITAL AND EAR ANOMALIES; Coloboma, heart anomaly, choanal atresia, retardation, genital and ear anomalies; CHARGE association; Hall-Hittner syndrome. Identifiers: Orphanet 138, MedGen C0265354, MONDO:0008965.

Allele frequency attached by ClinVar (database versions not stated): gnomAD exomes below 0.00001; TOPMed below 0.00001; gnomAD 0.00001.
gnomAD v4.1: 2 of 1,613,628 alleles (0.00012%); highest among the groups gnomAD compares: Admixed American, 0.0033%; no homozygotes.

Submission:

Labcorp Genetics (formerly Invitae), Labcorp
Classification: Uncertain significance for CHARGE syndrome. Last evaluated: 2024-06-05. Review status: criteria provided, single submitter. Criteria: Invitae Variant Classification Sherloc (09022015). Collection method: clinical testing. Allele origin: germline.
Comment: This sequence change replaces glutamine, which is neutral and polar, with histidine, which is basic and polar, at codon 502 of the SEMA3E protein (p.Gln502His). This variant is present in population databases (no rsID available, gnomAD 0.006%). This variant has not been reported in the literature in individuals affected with SEMA3E-related conditions. ClinVar contains an entry for this variant (Variation ID: 459535). Advanced modeling of protein sequence and biophysical properties (such as structural, functional, and spatial information, amino acid conservation, physicochemical variation, residue mobility, and thermodynamic stability) performed at Invitae indicates that this missense variant is not expected to disrupt SEMA3E protein function with a negative predictive value of 80%. In summary, the available evidence is currently insufficient to determine the role of this variant in disease. Therefore, it has been classified as a Variant of Uncertain Significance.